The following is an entry in ClinVar:

ClinVar aggregate classification (germline): Uncertain significance. Review status: criteria provided, multiple submitters, no conflicts (2 of 4 stars). 2 submissions from 2 submitters: Uncertain significance (2). Last evaluated 2025-08-27.

Conditions:
Hereditary cancer-predisposing syndrome. Also called: Hereditary Cancer Syndrome; Hereditary neoplastic syndrome; Tumor predisposition; Neoplastic Syndromes, Hereditary. Identifiers: Orphanet 140162, MedGen C0027672, MeSH D009386, MONDO:0015356.

Submissions (2):

Color Diagnostics, LLC DBA Color Health
Classification: Uncertain significance for Hereditary cancer-predisposing syndrome. Last evaluated: 2025-08-27. Review status: criteria provided, single submitter. Criteria: ACMG Guidelines, 2015. Collection method: clinical testing. Allele origin: germline.
Comment: This missense variant replaces glutamic acid with lysine at codon 761 of the APC protein. Computational prediction suggests that this variant may not impact protein structure and function. APC is defined as a gene for which primarily truncating variants are known to cause disease (ClinGen HCCP VCEP). To our knowledge, functional studies have not been reported for this variant. This variant has not been reported in individuals affected with APC-related disorders in the literature. This variant has not been identified in the general population by the Genome Aggregation Database (gnomAD). The available evidence is insufficient to determine the role of this variant in disease conclusively. Therefore, this variant is classified as a Variant of Uncertain Significance.

Ambry Genetics
Classification: Uncertain significance for Hereditary cancer-predisposing syndrome. Last evaluated: 2021-09-28. Review status: criteria provided, single submitter. Criteria: Ambry Variant Classification Scheme 2023. Collection method: clinical testing. Allele origin: germline.
Comment: The p.E761K variant (also known as c.2281G>A), located in coding exon 15 of the APC gene, results from a G to A substitution at nucleotide position 2281. The glutamic acid at codon 761 is replaced by lysine, an amino acid with similar properties. This amino acid position is well conserved in available vertebrate species. In addition, in silico predictors for this gene do not accurately predict pathogenicity. Since supporting evidence is limited at this time, the clinical significance of this alteration remains unclear.

NM_000038.6(APC):c.2281G>A (p.Glu761Lys)

Gene: APC (APC regulator of Wnt signaling pathway; plus strand). Cytogenetic location: 5q22.2.
Variant type: single nucleotide variant.
Coding change: c.2281G>A on transcript NM_000038.6 (MANE Select); coding-DNA position 2281, G replaced by A.
Protein change: p.Glu761Lys; replaces glutamic acid 761 with lysine.
Molecular consequence: missense variant.
Genome position (GRCh38, 1-based): chr5:112,837,875, G>A. VCF-style: chr5-112837875-G-A. GRCh37 (hg19) VCF-style: chr5-112173572-G-A.
Other names: c.2281G>A, p.Glu761Lys (NM_001127510.3, NM_001354895.2, NM_001407450.1); c.2227G>A, p.Glu743Lys (NM_001127511.3); c.2335G>A, p.Glu779Lys (NM_001354896.2, NM_001407447.1, NM_001407448.1 and 1 more transcripts); c.2311G>A, p.Glu771Lys (NM_001354897.2); c.2206G>A, p.Glu736Lys (NM_001354898.2); c.2197G>A, p.Glu733Lys (NM_001354899.2); c.2158G>A, p.Glu720Lys (NM_001354900.2); c.2104G>A, p.Glu702Lys (NM_001354901.2, NM_001407453.1); and 11 more; short protein forms E632K, E635K, E660K, E733K, E751K, E779K, E702K, E743K.
Identifiers: ClinVar variation 1788950 (VCV001788950.3), dbSNP rs1580620124, ClinGen allele CA16026326.
Genomic context (GRCh38, chr5:112,837,875, plus strand): 5'-AATATTATGTCTCCTGGCTCAAGCTTGCCATCTCTTCATGTTAGGAAACAAAAAGCCCTA[G>A]AAGCAGAATTAGATGCTCAGCACTTATCAGAAACTTTTGACAATATAGACAATTTAAGTC-3'
Protein context (NP_000029.2, residues 751-771): SLHVRKQKAL[Glu761Lys]AELDAQHLSE